The following is an entry in ClinVar:

ClinVar aggregate classification (germline): Uncertain significance (1 of 4 stars; one submission).

Allele frequency attached by ClinVar (database versions not stated): ExAC 0.00001; gnomAD exomes 0.00002.
gnomAD v4.1: 32 of 1,613,806 alleles (0.002%); highest among the groups gnomAD compares: East Asian, 0.013%; no homozygotes.

Submission:

GeneDx
Classification: Uncertain significance. Last evaluated: 2022-01-20. Review status: criteria provided, single submitter. Criteria: GeneDx Variant Classification Process June 2021. Collection method: clinical testing. Allele origin: germline. Affected: yes.
Comment: Not observed at significant frequency in large population cohorts (gnomAD); In silico analysis supports that this missense variant has a deleterious effect on protein structure/function; In-silico analysis is inconclusive as to whether the variant alters gene splicing. In the absence of RNA/functional studies, the actual effect of this sequence change is unknown.; Has not been previously published as pathogenic or benign to our knowledge

NM_000498.3(CYP11B2):c.623G>A (p.Arg208Gln)

Genes: CYP11B2 (cytochrome P450 family 11 subfamily B member 2; minus strand), LOC106799834 (CYP11B2 recombination region; plus strand). Cytogenetic location: 8q24.3.
Variant type: single nucleotide variant.
Coding change: c.623G>A on transcript NM_000498.3 (MANE Select); coding-DNA position 623, G replaced by A.
Protein change: p.Arg208Gln; replaces arginine 208 with glutamine.
Molecular consequence: missense variant.
Genome position (GRCh38, 1-based): chr8:142,914,881, C>T on the plus strand (G>A on the coding strand, the complement: CYP11B2 is on the minus strand). VCF-style: chr8-142914881-C-T. GRCh37 (hg19) VCF-style: chr8-143996297-C-T.
Other names: short protein forms R208Q.
Identifiers: ClinVar variation 1698045 (VCV001698045.2), dbSNP rs749800670, ClinGen allele CA4906132.